The following is an entry in ClinVar:

ClinVar aggregate classification (germline): Uncertain significance. Review status: criteria provided, multiple submitters, no conflicts (2 of 4 stars). 2 submissions from 2 submitters: Uncertain significance (2). Last evaluated 2025-09-02.

Submissions (2):

Labcorp Genetics (formerly Invitae), Labcorp
Classification: Uncertain significance. Last evaluated: 2025-09-02. Review status: criteria provided, single submitter. Criteria: Invitae Variant Classification Sherloc (09022015). Collection method: clinical testing. Allele origin: germline.
Comment: This sequence change replaces aspartic acid, which is acidic and polar, with histidine, which is basic and polar, at codon 508 of the CRAT protein (p.Asp508His). This variant is present in population databases (rs764225834, gnomAD 0.05%). This variant has not been reported in the literature in individuals affected with CRAT-related conditions. ClinVar contains an entry for this variant (Variation ID: 2714710). Invitae Evidence Modeling of protein sequence and biophysical properties (such as structural, functional, and spatial information, amino acid conservation, physicochemical variation, residue mobility, and thermodynamic stability) indicates that this missense variant is not expected to disrupt CRAT protein function with a negative predictive value of 80%. In summary, the available evidence is currently insufficient to determine the role of this variant in disease. Therefore, it has been classified as a Variant of Uncertain Significance.

Ambry Genetics
Classification: Uncertain significance. Last evaluated: 2024-03-20. Review status: criteria provided, single submitter. Criteria: Ambry Variant Classification Scheme 2023. Collection method: clinical testing. Allele origin: germline.

NM_000755.5(CRAT):c.1522G>C (p.Asp508His)

Gene: CRAT (carnitine O-acetyltransferase; minus strand). Cytogenetic location: 9q34.11.
Variant type: single nucleotide variant.
Coding change: c.1522G>C on transcript NM_000755.5 (MANE Select); coding-DNA position 1522, G replaced by C.
Protein change: p.Asp508His; replaces aspartic acid 508 with histidine.
Molecular consequence: missense variant.
Genome position (GRCh38, 1-based): chr9:129,097,255, C>G on the plus strand (G>C on the coding strand, the complement: CRAT is on the minus strand). VCF-style: chr9-129097255-C-G. GRCh37 (hg19) VCF-style: chr9-131859534-C-G.
Other names: c.1459G>C, p.Asp487His (NM_001257363.3, NM_001346548.2, NM_004003.4); c.1525G>C, p.Asp509His (NM_001346546.2); c.1522G>C, p.Asp508His (NM_001346547.2); c.1402G>C, p.Asp468His (NM_001346549.2); c.1522G>C (NM_000755.3); short protein forms D487H, D508H, D468H, D509H.
Identifiers: ClinVar variation 2714710 (VCV002714710.4), dbSNP rs764225834, ClinGen allele CA5275343.